The following is an entry in ClinVar:

ClinVar aggregate classification (germline): Uncertain significance. Review status: criteria provided, multiple submitters, no conflicts (2 of 4 stars). 2 submissions from 2 submitters: Uncertain significance (2). Last evaluated 2025-12-03.

Conditions:
Propionic acidemia (PROP). Also called: GLYCINEMIA, KETOTIC; HYPERGLYCINEMIA WITH KETOACIDOSIS AND LEUKOPENIA; KETOTIC HYPERGLYCINEMIA. Identifiers: Orphanet 35, MedGen C0268579, MONDO:0011628, OMIM 606054, HP:0003571.

Submissions (2):

Myriad Genetics, Inc.
Classification: Uncertain significance for Propionic acidemia. Last evaluated: 2025-12-03. Review status: criteria provided, single submitter. Criteria: Myriad Autosomal Dominant, Autosomal Recessive and X-Linked Classification Criteria (2023). Collection method: clinical testing. Allele origin: unknown.
Comment: NM_000282.3(PCCA):c.1193G>A(C398Y) is a missense variant classified as a variant of uncertain significance in the context of PCCA-related propionic acidemia. C398Y has been observed in a case with relevant disease (PMID: 22033733). Relevant functional assessments of this variant are not available in the literature. C398Y has not been observed in referenced population frequency databases. In summary, there is insufficient evidence to classify NM_000282.3(PCCA):c.1193G>A(C398Y) as pathogenic or benign. Please note: this variant was assessed in the context of healthy population screening.

Women's Health and Genetics/Laboratory Corporation of America, LabCorp
Classification: Uncertain significance. Last evaluated: 2025-05-05. Review status: criteria provided, single submitter. Criteria: LabCorp Variant Classification Summary - May 2015. Collection method: clinical testing. Allele origin: germline.
Comment: Variant summary: PCCA c.1193G>A (p.Cys398Tyr) results in a non-conservative amino acid change in the encoded protein sequence. Algorithms developed to predict the effect of missense changes on protein structure and function all suggest that this variant is likely to be disruptive. The variant was absent in 251396 control chromosomes (gnomAD). The available data on variant occurrences in the general population are insufficient to allow any conclusion about variant significance. c.1193G>A has been observed in an individual affected with Propionic Acidemia (Kraus_2012). These data do not allow any conclusion about variant significance. To our knowledge, no experimental evidence demonstrating an impact on protein function has been reported. The following publication has been ascertained in the context of this evaluation (PMID: 22033733). No submitters have cited clinical-significance assessments for this variant to ClinVar. Based on the evidence outlined above, the variant was classified as uncertain significance.

Literature cited by the submitters: PubMed 22033733 (cited by Myriad Genetics, Inc. and Women's Health and Genetics/Laboratory Corporation of America, LabCorp).

NM_000282.4(PCCA):c.1193G>A (p.Cys398Tyr)

Gene: PCCA (propionyl-CoA carboxylase subunit alpha; plus strand). Cytogenetic location: 13q32.3.
Variant type: single nucleotide variant.
Coding change: c.1193G>A on transcript NM_000282.4 (MANE Select); coding-DNA position 1193, G replaced by A.
Protein change: p.Cys398Tyr; replaces cysteine 398 with tyrosine.
Molecular consequence: missense variant. On other transcripts: non-coding transcript variant (5), intron variant (3).
Genome position (GRCh38, 1-based): chr13:100,301,587, G>A. VCF-style: chr13-100301587-G-A. GRCh37 (hg19) VCF-style: chr13-100953841-G-A.
Other names: c.1115G>A, p.Cys372Tyr (NM_001127692.3, NM_001352607.2); c.1193G>A, p.Cys398Tyr (NM_001178004.2, NM_001352605.2, NM_001352609.2); c.248G>A, p.Cys83Tyr (NM_001352610.2, NM_001352611.2); c.1066-1337G>A (NM_001352606.2); c.121-1337G>A (NM_001352612.2); c.988-1337G>A (NM_001352608.2); short protein forms C372Y, C398Y, C83Y.
Identifiers: ClinVar variation 3902504 (VCV003902504.2).
Genomic context (GRCh38, chr13:100,301,587, plus strand): 5'-AGGGCTACCCTCTCAGGCACAAACAAGCTGATATTCGCATCAACGGCTGGGCAGTTGAAT[G>A]TCGGGTTTATGCTGAGGTAAAATGAATGGTGTTGGGAGGAAGGATGGTGGTTATGTCCAG-3'
Protein context (NP_000273.2, residues 388-408): DIRINGWAVE[Cys398Tyr]RVYAEDPYKS